The following is an entry in ClinVar:

ClinVar aggregate classification (germline): Conflicting classifications of pathogenicity. Review status: criteria provided, conflicting classifications (1 of 4 stars). 3 submissions from 3 submitters: Uncertain significance (2); Likely benign (1). Last evaluated 2025-03-23.

Conditions:
Inborn genetic diseases. Identifiers: MedGen C0950123, MeSH D030342.
Seizures, benign familial infantile, 3 (BFIS3). Also called: Familial neonatal seizures; CONVULSIONS, BENIGN FAMILIAL INFANTILE, 3. Identifiers: Orphanet 140927, Orphanet 306, MedGen C1843140, MONDO:0011904, OMIM 607745.
Developmental and epileptic encephalopathy, 11 (DEE11). Also called: Early infantile epileptic encephalopathy 11. Identifiers: Orphanet 1934, MedGen C3150987, MONDO:0013388, OMIM 613721.
Episodic ataxia, type 9. Identifiers: MedGen C5394520, MONDO:0030064, OMIM 618924.

Allele frequency attached by ClinVar (database versions not stated): gnomAD exomes below 0.00001 and 0.00004; gnomAD 0.00001; TOPMed 0.00002; ExAC 0.00005.
gnomAD v4.1: 8 of 1,613,858 alleles (0.0005%); highest among the groups gnomAD compares: East Asian, 0.018%; no homozygotes.

Submissions (3):

Labcorp Genetics (formerly Invitae), Labcorp
Classification: Uncertain significance for Seizures, benign familial infantile, 3; Developmental and epileptic encephalopathy, 11. Last evaluated: 2025-03-23. Review status: criteria provided, single submitter. Criteria: Invitae Variant Classification Sherloc (09022015). Collection method: clinical testing. Allele origin: germline.
Comment: This sequence change replaces lysine, which is basic and polar, with asparagine, which is neutral and polar, at codon 1863 of the SCN2A protein (p.Lys1863Asn). This variant is present in population databases (rs760733246, gnomAD 0.05%). This variant has not been reported in the literature in individuals affected with SCN2A-related conditions. ClinVar contains an entry for this variant (Variation ID: 1411341). Invitae Evidence Modeling of protein sequence and biophysical properties (such as structural, functional, and spatial information, amino acid conservation, physicochemical variation, residue mobility, and thermodynamic stability) indicates that this missense variant is expected to disrupt SCN2A protein function with a positive predictive value of 95%. In summary, the available evidence is currently insufficient to determine the role of this variant in disease. Therefore, it has been classified as a Variant of Uncertain Significance.

Ambry Genetics
Classification: Likely benign for Inborn genetic diseases. Last evaluated: 2023-11-28. Review status: criteria provided, single submitter. Criteria: Ambry Variant Classification Scheme 2023. Collection method: clinical testing. Allele origin: germline.

Juno Genomics, Hangzhou Juno Genomics, Inc
Classification: Uncertain significance for Developmental and epileptic encephalopathy, 11; Episodic ataxia, type 9; Seizures, benign familial infantile, 3. Review status: criteria provided, single submitter. Criteria: ACMG Guidelines, 2015. Collection method: clinical testing. Allele origin: germline. Affected: yes.
Comment: Absent from controls (or at extremely low frequency if recessive) in Genome Aggregation Database, Exome Sequencing Project, 1000 Genomes Project, or Exome Aggregation Consortium.;Multiple lines of computational evidence support a deleterious effect on the gene or gene product (conservation, evolutionary, splicing impact, etc).;Patient's phenotype or family history is highly specific for a disease with a single genetic etiology.;Missense variant in a gene that has a low rate of benign missense variation and where missense variants are a common mechanism of disease.

NM_001040142.2(SCN2A):c.5589G>C (p.Lys1863Asn)

Gene: SCN2A (sodium voltage-gated channel alpha subunit 2; plus strand). Cytogenetic location: 2q24.3.
Variant type: single nucleotide variant.
Coding change: c.5589G>C on transcript NM_001040142.2 (MANE Select); coding-DNA position 5589, G replaced by C.
Protein change: p.Lys1863Asn; replaces lysine 1863 with asparagine.
Molecular consequence: missense variant.
Genome position (GRCh38, 1-based): chr2:165,389,395, G>C. VCF-style: chr2-165389395-G-C. GRCh37 (hg19) VCF-style: chr2-166245905-G-C.
Other names: c.5589G>C (NM_021007.2); c.5589G>C, p.Lys1863Asn (NM_001040143.2, NM_001371246.1, NM_001371247.1 and 1 more transcripts); short protein forms K1863N.
Identifiers: ClinVar variation 1411341 (VCV001411341.11), dbSNP rs760733246, ClinGen allele CA1940405.